The following is an entry in ClinVar:

ClinVar aggregate classification (germline): Uncertain significance. Review status: criteria provided, multiple submitters, no conflicts (2 of 4 stars). 2 submissions from 2 submitters: Uncertain significance (2). Last evaluated 2026-01-01.

Conditions:
EGFR-related lung cancer (EGFR). Identifiers: MedGen CN130014.
Hereditary cancer-predisposing syndrome. Also called: Tumor predisposition; Hereditary neoplastic syndrome; Neoplastic Syndromes, Hereditary; Hereditary Cancer Syndrome. Identifiers: Orphanet 140162, MedGen C0027672, MeSH D009386, MONDO:0015356.

Allele frequency attached by ClinVar (database versions not stated): gnomAD exomes below 0.00001; ExAC 0.00001; gnomAD 0.00001.
gnomAD v4.1: 4 of 1,613,874 alleles (0.00025%); highest among the groups gnomAD compares: Non-Finnish European, 0.00025%; no homozygotes.

Submissions (2):

Labcorp Genetics (formerly Invitae), Labcorp
Classification: Uncertain significance for EGFR-related lung cancer. Last evaluated: 2026-01-01. Review status: criteria provided, single submitter. Criteria: Invitae Variant Classification Sherloc (09022015). Collection method: clinical testing. Allele origin: germline.
Comment: This sequence change replaces arginine, which is basic and polar, with histidine, which is basic and polar, at codon 324 of the EGFR protein (p.Arg324His). This variant is present in population databases (rs758748662, gnomAD 0.01%). This variant has not been reported in the literature in individuals affected with EGFR-related conditions. ClinVar contains an entry for this variant (Variation ID: 861922). An algorithm developed to predict the effect of missense changes on protein structure and function outputs the following: PolyPhen-2: "Benign". The histidine amino acid residue is found in multiple mammalian species, which suggests that this missense change does not adversely affect protein function. In summary, the available evidence is currently insufficient to determine the role of this variant in disease. Therefore, it has been classified as a Variant of Uncertain Significance.

Ambry Genetics
Classification: Uncertain significance for Hereditary cancer-predisposing syndrome. Last evaluated: 2025-03-19. Review status: criteria provided, single submitter. Criteria: Ambry Variant Classification Scheme 2023. Collection method: clinical testing. Allele origin: germline.
Comment: The p.R324H variant (also known as c.971G>A), located in coding exon 8 of the EGFR gene, results from a G to A substitution at nucleotide position 971. The arginine at codon 324 is replaced by histidine, an amino acid with highly similar properties. This amino acid position is conserved. In addition, the in silico prediction for this alteration is inconclusive. Based on the available evidence, the clinical significance of this variant remains unclear.

NM_005228.5(EGFR):c.971G>A (p.Arg324His)

Gene: EGFR (epidermal growth factor receptor; plus strand). Cytogenetic location: 7p11.2.
Variant type: single nucleotide variant.
Coding change: c.971G>A on transcript NM_005228.5 (MANE Select); coding-DNA position 971, G replaced by A.
Protein change: p.Arg324His; replaces arginine 324 with histidine.
Molecular consequence: missense variant.
Genome position (GRCh38, 1-based): chr7:55,155,911, G>A. VCF-style: chr7-55155911-G-A. GRCh37 (hg19) VCF-style: chr7-55223604-G-A.
Other names: c.836G>A, p.Arg279His (NM_001346897.2, NM_001346899.2); c.971G>A, p.Arg324His (NM_001346898.2, NM_201282.2, NM_201283.2 and 1 more transcripts); c.812G>A, p.Arg271His (NM_001346900.2); c.170G>A, p.Arg57His (NM_001346941.2); short protein forms R279H, R271H, R57H, R324H.
Identifiers: ClinVar variation 861922 (VCV000861922.8), dbSNP rs758748662, ClinGen allele CA4265425.